The following is an entry in ClinVar:

NM_000390.4(CHM):c.295G>T (p.Glu99Ter)

Gene: CHM (CHM Rab escort protein; minus strand). Cytogenetic location: Xq21.2.
Variant type: single nucleotide variant.
Coding change: c.295G>T on transcript NM_000390.4 (MANE Select); coding-DNA position 295, G replaced by T.
Protein change: p.Glu99Ter; replaces glutamic acid 99 with a stop codon.
Molecular consequence: nonsense. On other transcripts: 5 prime UTR variant (4).
Genome position (GRCh38, 1-based): chrX:85,978,786, C>A on the plus strand (G>T on the coding strand, the complement: CHM is on the minus strand). VCF-style: chrX-85978786-C-A. GRCh37 (hg19) VCF-style: chrX-85233790-C-A.
Other names: c.295G>T, p.Glu99Ter (NM_001145414.4); c.-150G>T (NM_001320959.1, NM_001362517.1); c.-146G>T (NM_001362518.2, NM_001362519.1); short protein forms E99*.
Identifiers: ClinVar variation 1452501 (VCV001452501.7), dbSNP rs2147706381, ClinGen allele CA413787804.

ClinVar aggregate classification (germline): Pathogenic/Likely pathogenic. Review status: criteria provided, multiple submitters, no conflicts (2 of 4 stars). 2 submissions from 2 submitters: Pathogenic (1); Likely pathogenic (1). Last evaluated 2022-05-07.

Conditions:
CHM-related disorders.

Submissions (2):

Labcorp Genetics (formerly Invitae), Labcorp
Classification: Pathogenic. Last evaluated: 2022-05-07. Review status: criteria provided, single submitter. Criteria: Invitae Variant Classification Sherloc (09022015). Collection method: clinical testing. Allele origin: germline.
Comment: For these reasons, this variant has been classified as Pathogenic. Algorithms developed to predict the effect of sequence changes on RNA splicing suggest that this variant may disrupt the consensus splice site. This variant has not been reported in the literature in individuals affected with CHM-related conditions. This variant is not present in population databases (gnomAD no frequency). This sequence change creates a premature translational stop signal (p.Glu99*) in the CHM gene. It is expected to result in an absent or disrupted protein product. Loss-of-function variants in CHM are known to be pathogenic (PMID: 9067750, 23811034).

Blueprint Genetics
Classification: Likely pathogenic for CHM-related disorders. Last evaluated: 2019-10-25. Review status: criteria provided, single submitter. Criteria: ACMG Guidelines, 2015. Collection method: clinical testing. Allele origin: germline. Affected: yes. Observed: 1 variant allele.

Literature cited by the submitters: PubMed 9067750 (cited by Labcorp Genetics (formerly Invitae), Labcorp); PubMed 23811034 (cited by Labcorp Genetics (formerly Invitae), Labcorp).